The following is an entry in ClinVar:

ClinVar aggregate classification (germline): Uncertain significance (1 of 4 stars; one submission).

Conditions:
Cardiovascular phenotype. Identifiers: MedGen CN230736.

Submission:

Ambry Genetics
Classification: Uncertain significance for Cardiovascular phenotype. Last evaluated: 2025-06-16. Review status: criteria provided, single submitter. Criteria: Ambry Variant Classification Scheme 2023. Collection method: clinical testing. Allele origin: germline.
Comment: The p.I135V variant (also known as c.403A>G), located in coding exon 4 of the ABCA1 gene, results from an A to G substitution at nucleotide position 403. The isoleucine at codon 135 is replaced by valine, an amino acid with highly similar properties. This amino acid position is conserved. In addition, this alteration is predicted to be tolerated by in silico analysis. Based on the available evidence, the clinical significance of this variant remains unclear.

NM_005502.4(ABCA1):c.403A>G (p.Ile135Val)

Gene: ABCA1 (ATP binding cassette subfamily A member 1; minus strand). Cytogenetic location: 9q31.1.
Variant type: single nucleotide variant.
Coding change: c.403A>G on transcript NM_005502.4 (MANE Select); coding-DNA position 403, A replaced by G.
Protein change: p.Ile135Val; replaces isoleucine 135 with valine.
Molecular consequence: missense variant.
Genome position (GRCh38, 1-based): chr9:104,883,057, T>C on the plus strand (A>G on the coding strand, the complement: ABCA1 is on the minus strand). VCF-style: chr9-104883057-T-C. GRCh37 (hg19) VCF-style: chr9-107645338-T-C.
Other names: short protein forms I135V.
Identifiers: ClinVar variation 4232968 (VCV004232968.1).